The following is an entry in ClinVar:

NM_001367624.2(ZNF469):c.1276G>A (p.Glu426Lys)

Gene: ZNF469 (zinc finger protein 469; plus strand). Cytogenetic location: 16q24.2.
Variant type: single nucleotide variant.
Coding change: c.1276G>A on transcript NM_001367624.2 (MANE Select); coding-DNA position 1276, G replaced by A.
Protein change: p.Glu426Lys; replaces glutamic acid 426 with lysine.
Molecular consequence: missense variant.
Genome position (GRCh38, 1-based): chr16:88,428,746, G>A. VCF-style: chr16-88428746-G-A. GRCh37 (hg19) VCF-style: chr16-88495154-G-A.
Other names: NM_001127464.1:c.1276G>A; NM_001127464.2:c.1276G>A; short protein forms E426K.
Identifiers: ClinVar variation 2169819 (VCV002169819.3), dbSNP rs1211886658, ClinGen allele CA397064155.

ClinVar aggregate classification (germline): Conflicting classifications of pathogenicity. Review status: criteria provided, conflicting classifications (1 of 4 stars). 3 submissions from 3 submitters: Uncertain significance (2); Likely benign (1). Last evaluated 2024-11-17.

Conditions:
Cardiovascular phenotype. Identifiers: MedGen CN230736.
Brittle cornea syndrome 1 (BCS1). Also called: CORNEAL FRAGILITY, KERATOGLOBUS, BLUE SCLERAE, JOINT HYPEREXTENSIBILITY; EDS6B; FRAGILITAS OCULI WITH JOINT HYPEREXTENSIBILITY; Corneal fragility keratoglobus, blue sclerae AND joint hypermobility; DYSGENESIS MESODERMALIS CORNEAE ET SCLERAE. Identifiers: Orphanet 90354, MedGen C0268344, MONDO:0024543, OMIM 229200.

Allele frequency attached by ClinVar (database versions not stated): TOPMed 0.00002; gnomAD 0.00003.
gnomAD v4.1: 42 of 1,546,196 alleles (0.0027%); highest among the groups gnomAD compares: East Asian, 0.073%; no homozygotes.

Submissions (3):

Ambry Genetics
Classification: Likely benign for Cardiovascular phenotype. Last evaluated: 2024-11-17. Review status: criteria provided, single submitter. Criteria: Ambry Variant Classification Scheme 2023. Collection method: clinical testing. Allele origin: germline.

Labcorp Genetics (formerly Invitae), Labcorp
Classification: Uncertain significance. Last evaluated: 2022-10-13. Review status: criteria provided, single submitter. Criteria: Invitae Variant Classification Sherloc (09022015). Collection method: clinical testing. Allele origin: germline.
Comment: This sequence change replaces glutamic acid, which is acidic and polar, with lysine, which is basic and polar, at codon 426 of the ZNF469 protein (p.Glu426Lys). This variant is present in population databases (no rsID available, gnomAD 0.1%). This variant has not been reported in the literature in individuals affected with ZNF469-related conditions. Algorithms developed to predict the effect of missense changes on protein structure and function (SIFT, PolyPhen-2, Align-GVGD) all suggest that this variant is likely to be tolerated. In summary, the available evidence is currently insufficient to determine the role of this variant in disease. Therefore, it has been classified as a Variant of Uncertain Significance.

Department of Pathology and Laboratory Medicine, Sinai Health System
Classification: Uncertain significance for Brittle cornea syndrome 1. Last evaluated: 2019-07-25. Review status: criteria provided, single submitter. Criteria: ACMG Guidelines, 2015. Collection method: research. Allele origin: germline.